The following is an entry in ClinVar:

NM_198506.5(LRIT3):c.950G>A (p.Gly317Asp)

Gene: LRIT3 (leucine rich repeat, Ig-like and transmembrane domains 3; plus strand). Cytogenetic location: 4q25.
Variant type: single nucleotide variant.
Coding change: c.950G>A on transcript NM_198506.5 (MANE Select); coding-DNA position 950, G replaced by A.
Protein change: p.Gly317Asp; replaces glycine 317 with aspartic acid.
Molecular consequence: missense variant.
Genome position (GRCh38, 1-based): chr4:109,869,699, G>A. VCF-style: chr4-109869699-G-A. GRCh37 (hg19) VCF-style: chr4-110790855-G-A.
Other names: short protein forms G317D.
Identifiers: ClinVar variation 1057400 (VCV001057400.5), dbSNP rs777279684, ClinGen allele CA3043102.

ClinVar aggregate classification (germline): Uncertain significance. Review status: criteria provided, multiple submitters, no conflicts (2 of 4 stars). 2 submissions from 2 submitters: Uncertain significance (2). Last evaluated 2024-04-24.

Allele frequency attached by ClinVar (database versions not stated): gnomAD 0.00001 and 0.00003; gnomAD exomes 0.00001 and 0.00002; ExAC 0.00002.

Submissions (2):

Blueprint Genetics
Classification: Uncertain significance. Last evaluated: 2024-04-24. Review status: criteria provided, single submitter. Criteria: ACMG Guidelines, 2015. Collection method: clinical testing. Allele origin: germline.

Labcorp Genetics (formerly Invitae), Labcorp
Classification: Uncertain significance. Last evaluated: 2022-07-18. Review status: criteria provided, single submitter. Criteria: Invitae Variant Classification Sherloc (09022015). Collection method: clinical testing. Allele origin: germline.
Comment: In summary, the available evidence is currently insufficient to determine the role of this variant in disease. Therefore, it has been classified as a Variant of Uncertain Significance. Algorithms developed to predict the effect of missense changes on protein structure and function output the following: SIFT: "Deleterious"; PolyPhen-2: "Possibly Damaging"; Align-GVGD: "Class C15". The aspartic acid amino acid residue is found in multiple mammalian species, which suggests that this missense change does not adversely affect protein function. ClinVar contains an entry for this variant (Variation ID: 1057400). This variant has not been reported in the literature in individuals affected with LRIT3-related conditions. This variant is present in population databases (rs777279684, gnomAD 0.01%). This sequence change replaces glycine, which is neutral and non-polar, with aspartic acid, which is acidic and polar, at codon 317 of the LRIT3 protein (p.Gly317Asp).